The following is an entry in ClinVar:

ClinVar aggregate classification (germline): Uncertain significance (1 of 4 stars; one submission).

Conditions:
Emery-Dreifuss muscular dystrophy 5, autosomal dominant (EDMD5). Also called: EMERY-DREIFUSS MUSCULAR DYSTROPHY 5. Identifiers: Orphanet 261, MedGen C2751805, MONDO:0013072, OMIM 612999.

Submission:

Labcorp Genetics (formerly Invitae), Labcorp
Classification: Uncertain significance for Emery-Dreifuss muscular dystrophy 5, autosomal dominant. Last evaluated: 2024-04-15. Review status: criteria provided, single submitter. Criteria: Invitae Variant Classification Sherloc (09022015). Collection method: clinical testing. Allele origin: germline.
Comment: This sequence change replaces proline, which is neutral and non-polar, with arginine, which is basic and polar, at codon 6449 of the SYNE2 protein (p.Pro6449Arg). This variant is not present in population databases (gnomAD no frequency). This variant has not been reported in the literature in individuals affected with SYNE2-related conditions. An algorithm developed to predict the effect of missense changes on protein structure and function (PolyPhen-2) suggests that this variant is likely to be disruptive. In summary, the available evidence is currently insufficient to determine the role of this variant in disease. Therefore, it has been classified as a Variant of Uncertain Significance.

NM_182914.3(SYNE2):c.19346C>G (p.Pro6449Arg)

Gene: SYNE2 (spectrin repeat containing nuclear envelope protein 2; plus strand). Cytogenetic location: 14q23.2.
Variant type: single nucleotide variant.
Coding change: c.19346C>G on transcript NM_182914.3 (MANE Select); coding-DNA position 19346, C replaced by G.
Protein change: p.Pro6449Arg; replaces proline 6449 with arginine.
Molecular consequence: missense variant. On other transcripts: intron variant (1).
Genome position (GRCh38, 1-based): chr14:64,215,298, C>G. VCF-style: chr14-64215298-C-G. GRCh37 (hg19) VCF-style: chr14-64682016-C-G.
Other names: c.248C>G, p.Pro83Arg (NM_182913.4); c.19333+828C>G (NM_015180.6); short protein forms P6449R, P83R.
Identifiers: ClinVar variation 2706208 (VCV002706208.3), dbSNP rs2550177880, ClinGen allele CA389957714.